The following is an entry in ClinVar:

ClinVar aggregate classification (germline): Uncertain significance (1 of 4 stars; one submission).

Submission:

Labcorp Genetics (formerly Invitae), Labcorp
Classification: Uncertain significance. Last evaluated: 2024-07-21. Review status: criteria provided, single submitter. Criteria: Invitae Variant Classification Sherloc (09022015). Collection method: clinical testing. Allele origin: germline.
Comment: This sequence change replaces lysine, which is basic and polar, with glutamic acid, which is acidic and polar, at codon 110 of the HELLS protein (p.Lys110Glu). This variant is not present in population databases (gnomAD no frequency). This variant has not been reported in the literature in individuals affected with HELLS-related conditions. An algorithm developed to predict the effect of missense changes on protein structure and function (PolyPhen-2) suggests that this variant¬†is likely to be tolerated. In summary, the available evidence is currently insufficient to determine the role of this variant in disease. Therefore, it has been classified as a Variant of Uncertain Significance.

NM_018063.5(HELLS):c.328A>G (p.Lys110Glu)

Gene: HELLS (helicase, lymphoid specific; plus strand). Cytogenetic location: 10q23.33.
Variant type: single nucleotide variant.
Coding change: c.328A>G on transcript NM_018063.5 (MANE Select); coding-DNA position 328, A replaced by G.
Protein change: p.Lys110Glu; replaces lysine 110 with glutamic acid.
Molecular consequence: missense variant. On other transcripts: 5 prime UTR variant (4).
Genome position (GRCh38, 1-based): chr10:94,558,190, A>G. VCF-style: chr10-94558190-A-G. GRCh37 (hg19) VCF-style: chr10-96317947-A-G.
Other names: c.328A>G, p.Lys110Glu (NM_001289067.2, NM_001289069.2, NM_001289070.2 and 1 more transcripts); c.280A>G, p.Lys94Glu (NM_001289068.2); c.-45A>G (NM_001289071.2); c.-22A>G (NM_001289073.2); c.-675A>G (NM_001289074.2); c.-694A>G (NM_001289075.2); short protein forms K110E, K94E.
Identifiers: ClinVar variation 3668092 (VCV003668092.1).
Genomic context (GRCh38, chr10:94,558,190, plus strand): 5'-GTCTTACAGGAACAGAAGAAGAAAGAAAAATTGGAGAGAAAAAAGGAGTCTTTAAAAGTT[A>G]AAAAGGTAATATAGCCAGCCGGAATATTTTTTATGTCATTTAAATATTGAAGAAATACTT-3'
Protein context (NP_060533.2, residues 100-120): LERKKESLKV[Lys110Glu]KGKNSIDASE